The following is an entry in ClinVar:

NM_020975.6(RET):c.1585GAG[1] (p.Glu530del)

Gene: RET (ret proto-oncogene; plus strand). Cytogenetic location: 10q11.21.
Variant type: Microsatellite.
Coding change: c.1585GAG[1] on transcript NM_020975.6 (MANE Select); one copy of the 3-base unit GAG starting at c.1585; the reference has two copies in a row; one copy, 3 bases deleted; also written c.1588_1590del.
Protein change: p.Glu530del; deletes glutamic acid 530.
Molecular consequence: inframe indel (on NM_020975.4).
Genome position (GRCh38, 1-based): chr10:43,112,164-43,112,166, GAG deleted; deleting any 3 consecutive bases within chr10:43,112,161-43,112,166 gives the same sequence; the position shown is the placement nearest the transcript's 3' end. VCF-style (leftmost placement, unchanged base first): chr10-43112160-TGAG-T. GRCh37 (hg19) VCF-style: chr10-43607608-TGAG-T.
Other names: c.1588_1590delGAG (NM_020975.4); c.823GAG[1], p.Glu276del (NM_001355216.2); c.1585GAG[1], p.Glu530del (NM_001406743.1, NM_001406744.1, NM_001406759.1 and 4 more transcripts); c.1456GAG[1], p.Glu487del (NM_001406761.1, NM_001406762.1, NM_001406764.1 and 1 more transcripts); c.1297GAG[1], p.Glu434del (NM_001406766.1, NM_001406767.1, NM_001406770.1); c.1189GAG[1], p.Glu398del (NM_001406769.1, NM_001406772.1); c.1147GAG[1], p.Glu384del (NM_001406771.1, NM_001406773.1); c.1060GAG[1], p.Glu355del (NM_001406774.1); and 8 more; short protein forms E231del, E288del, E47del, E487del, E276del, E530del, E188del, E355del.
Identifiers: ClinVar variation 3432278 (VCV003432278.2).
Genomic context (GRCh38, chr10:43,112,160, plus strand): 5'-TGTGGCCGAGGAGGCGGGCTGCCCCCTGTCCTGTGCAGTCAGCAAGAGACGGCTGGAGTG[TGAG>T]GAGTGTGGCGGCCTGGGCTCCCCAACAGGCAGGTGTGAGTGGAGGCAAGGAGATGGCAAA-3'

ClinVar aggregate classification (germline): Uncertain significance. Review status: criteria provided, multiple submitters, no conflicts (2 of 4 stars). 2 submissions from 2 submitters: Uncertain significance (2). Last evaluated 2024-10-25.

Conditions:
Hereditary cancer-predisposing syndrome. Also called: Neoplastic Syndromes, Hereditary; Tumor predisposition; Hereditary Cancer Syndrome; Hereditary neoplastic syndrome. Identifiers: Orphanet 140162, MedGen C0027672, MeSH D009386, MONDO:0015356.

Submissions (2):

Ambry Genetics
Classification: Uncertain significance for Hereditary cancer-predisposing syndrome. Last evaluated: 2024-10-25. Review status: criteria provided, single submitter. Criteria: Ambry Variant Classification Scheme 2023. Collection method: clinical testing. Allele origin: germline.
Comment: The c.1588_1590delGAG variant (also known as p.E530del) is located in coding exon 8 of the RET gene. This variant results from an in-frame GAG deletion at nucleotide positions 1588 to 1590. This results in the in-frame deletion of a glutamic acid at codon 530. This amino acid position is well conserved in available vertebrate species. In addition, this alteration is predicted to be deleterious by in silico analysis (Choi Y et al. PLoS ONE. 2012; 7(10):e46688). Based on the available evidence, the clinical significance of this variant remains unclear.

GeneDx
Classification: Uncertain significance. Last evaluated: 2024-09-06. Review status: criteria provided, single submitter. Criteria: GeneDx Variant Classification Process June 2021. Collection method: clinical testing. Allele origin: germline. Affected: yes.
Comment: Not observed at significant frequency in large population cohorts (gnomAD); In-frame deletion of one of amino acid in a non-repeat region; In silico analysis supports a deleterious effect on protein structure/function; In silico analysis supports a deleterious effect on splicing; Has not been previously published as pathogenic or benign to our knowledge; Located in the critical Cysteine-rich domain (PMID: 14633923); This variant is associated with the following publications: (PMID: 14633923)